The following is an entry in ClinVar:

NM_003738.5(PTCH2):c.2662G>A (p.Asp888Asn)

Gene: PTCH2 (patched 2; minus strand). Cytogenetic location: 1p34.1.
Variant type: single nucleotide variant.
Coding change: c.2662G>A on transcript NM_003738.5 (MANE Select); coding-DNA position 2662, G replaced by A.
Protein change: p.Asp888Asn; replaces aspartic acid 888 with asparagine.
Molecular consequence: missense variant.
Genome position (GRCh38, 1-based): chr1:44,826,935, C>T on the plus strand (G>A on the coding strand, the complement: PTCH2 is on the minus strand). VCF-style: chr1-44826935-C-T. GRCh37 (hg19) VCF-style: chr1-45292607-C-T.
Other names: c.2662G>A, p.Asp888Asn (NM_001166292.2); short protein forms D888N.
Identifiers: ClinVar variation 445935 (VCV000445935.10), dbSNP rs745445438, ClinGen allele CA822942.
Genomic context (GRCh38, chr1:44,826,935, plus strand): 5'-TCTTGCCGAGCTCCCCCCAAGACTCACTGCGAAGGTTCTCCCCCGTGGTGTCGTATTTGT[C>T]GTGCAGCCATTCAGGAGGTGGGGGGTAGAAGTTGGCCTGTGAGGCTGCCAGACCCAGGGG-3'
Protein context (NP_003729.3, residues 878-898): FYPPPPEWLH[Asp888Asn]KYDTTGENLR

ClinVar aggregate classification (germline): Uncertain significance. Review status: criteria provided, multiple submitters, no conflicts (2 of 4 stars). 2 submissions from 2 submitters: Uncertain significance (2). Last evaluated 2025-07-31.

Conditions:
Gorlin syndrome. Also called: Basal cell nevus syndrome; Nevoid Basal Cell Carcinoma Syndrome. Identifiers: Orphanet 377, MedGen C0004779, MONDO:0007187.

Allele frequency attached by ClinVar (database versions not stated): ExAC 0.00002; gnomAD 0.00002; gnomAD exomes 0.00002 and 0.00004; TOPMed 0.00002.
gnomAD v4.1: 57 of 1,614,050 alleles (0.0035%); highest among the groups gnomAD compares: Admixed American, 0.01%; no homozygotes.

Submissions (2):

Labcorp Genetics (formerly Invitae), Labcorp
Classification: Uncertain significance for Gorlin syndrome. Last evaluated: 2025-07-31. Review status: criteria provided, single submitter. Criteria: Invitae Variant Classification Sherloc (09022015). Collection method: clinical testing. Allele origin: germline.
Comment: This sequence change replaces aspartic acid, which is acidic and polar, with asparagine, which is neutral and polar, at codon 888 of the PTCH2 protein (p.Asp888Asn). This variant is present in population databases (rs745445438, gnomAD 0.006%). This variant has not been reported in the literature in individuals affected with PTCH2-related conditions. ClinVar contains an entry for this variant (Variation ID: 445935). Invitae Evidence Modeling of protein sequence and biophysical properties (such as structural, functional, and spatial information, amino acid conservation, physicochemical variation, residue mobility, and thermodynamic stability) indicates that this missense variant is not expected to disrupt PTCH2 protein function with a negative predictive value of 80%. In summary, the available evidence is currently insufficient to determine the role of this variant in disease. Therefore, it has been classified as a Variant of Uncertain Significance.

Center for Pediatric Genomic Medicine, Children's Mercy Hospital and Clinics
Classification: Uncertain significance. Last evaluated: 2017-06-22. Review status: criteria provided, single submitter. Criteria: ACMG Guidelines, 2015. Collection method: clinical testing. Allele origin: germline.